The following is an entry in ClinVar:

ClinVar aggregate classification (germline): Benign/Likely benign. Review status: criteria provided, multiple submitters, no conflicts (2 of 4 stars). 3 submissions from 3 submitters: Benign (1); Likely benign (2). Last evaluated 2023-12-17.

Allele frequency attached by ClinVar (database versions not stated): gnomAD exomes 0.01132 and 0.08544; gnomAD 0.01259 and 0.01329; ExAC 0.01972.
gnomAD v4.1: 14,314 of 1,251,064 alleles (1.1%); highest among the groups gnomAD compares: South Asian, 5.3%; 44 homozygotes.

Submissions (10):

Labcorp Genetics (formerly Invitae), Labcorp
Classification: Likely benign. Last evaluated: 2023-12-17. Review status: criteria provided, single submitter. Criteria: Invitae Variant Classification Sherloc (09022015). Collection method: clinical testing. Allele origin: germline.

GeneDx
Classification: Benign. Last evaluated: 2018-04-08. Review status: criteria provided, single submitter. Criteria: GeneDx Variant Classification (06012015). Collection method: clinical testing. Allele origin: germline. Affected: yes.
Comment: This variant is considered likely benign or benign based on one or more of the following criteria: it is a conservative change, it occurs at a poorly conserved position in the protein, it is predicted to be benign by multiple in silico algorithms, and/or has population frequency not consistent with disease.

Breakthrough Genomics
Classification: Likely benign. Review status: criteria provided, single submitter. Criteria: ACMG Guidelines, 2015. Collection method: not provided. Allele origin: germline. Inheritance: Unknown mechanism. Affected: yes.

Dr. Peter K. Rogan Lab, Western University
No classification provided (evidence only). Condition: Thymoma. Review status: no classification provided. Collection method: in vitro. Allele origin: not applicable. Functional consequence: retained intron. Not counted in ClinVar's aggregate classification.

Dr. Peter K. Rogan Lab, Western University
No classification provided (evidence only). Condition: Thymoma. Review status: no classification provided. Collection method: in vitro. Allele origin: not applicable. Functional consequence: retained intron. Not counted in ClinVar's aggregate classification.

Dr. Peter K. Rogan Lab, Western University
No classification provided (evidence only). Condition: Cholangiocarcinoma. Review status: no classification provided. Collection method: in vitro. Allele origin: not applicable. Functional consequence: retained intron. Not counted in ClinVar's aggregate classification.

Dr. Peter K. Rogan Lab, Western University
No classification provided (evidence only). Condition: Cholangiocarcinoma. Review status: no classification provided. Collection method: in vitro. Allele origin: not applicable. Functional consequence: retained intron. Not counted in ClinVar's aggregate classification.

Dr. Peter K. Rogan Lab, Western University
No classification provided (evidence only). Condition: Gastric cancer. Review status: no classification provided. Collection method: in vitro. Allele origin: not applicable. Functional consequence: retained intron. Not counted in ClinVar's aggregate classification.

Dr. Peter K. Rogan Lab, Western University
No classification provided (evidence only). Condition: Gastric cancer. Review status: no classification provided. Collection method: in vitro. Allele origin: not applicable. Functional consequence: retained intron. Not counted in ClinVar's aggregate classification.

Dr. Peter K. Rogan Lab, Western University
No classification provided (evidence only). Condition: Gastric cancer. Review status: no classification provided. Collection method: in vitro. Allele origin: not applicable. Functional consequence: retained intron. Not counted in ClinVar's aggregate classification.

NM_002907.4(RECQL):c.1798-4G>T

Genes: PYROXD1 (pyridine nucleotide-disulphide oxidoreductase domain 1; plus strand), RECQL (RecQ like helicase; minus strand). Cytogenetic location: 12p12.1.
Variant type: single nucleotide variant.
Coding change: c.1798-4G>T on transcript NM_002907.4 (MANE Select); 4 bases into the intron before coding-DNA position 1798, G replaced by T.
Molecular consequence: intron variant. On other transcripts: 3 prime UTR variant (3).
Genome position (GRCh38, 1-based): chr12:21,470,350, C>A on the plus strand (G>T on the coding strand, the complement: RECQL is on the minus strand). VCF-style: chr12-21470350-C-A. GRCh37 (hg19) VCF-style: chr12-21623284-C-A.
Other names: c.*1596C>A (NM_001350912.2, NM_001350913.2, NM_024854.5); c.1798-4G>T (NM_032941.3).
Identifiers: ClinVar variation 679737 (VCV000679737.10), dbSNP rs557749011, ClinGen allele CA6478618.